The following is an entry in ClinVar:

ClinVar aggregate classification (germline): Benign. Review status: criteria provided, multiple submitters, no conflicts (2 of 4 stars). 8 submissions from 6 submitters: Benign (8). Last evaluated 2026-02-04.

Conditions:
Schwartz-Jampel syndrome. Also called: Myotonic myopathy dwarfism chondrodystrophy and ocular and facial abnormalities. Identifiers: Orphanet 800, MedGen C0036391, MONDO:0009717.
Lethal Kniest-like syndrome (DDSH). Also called: Dyssegmental Dysplasia. Identifiers: Orphanet 1865, MedGen C1857100, MONDO:0009140, OMIM 224410.

Allele frequency attached by ClinVar (database versions not stated): TOPMed 0.12927; ESP Exome Variant Server 0.13248; 1000 Genomes Project 0.15775; 1000 Genomes Project 30x 0.15834.
gnomAD v4.1: 279,725 of 1,613,824 alleles (17%); highest among the groups gnomAD compares: South Asian, 26%; 25,687 homozygotes.

Submissions (8):

Labcorp Genetics (formerly Invitae), Labcorp
Classification: Benign. Last evaluated: 2026-02-04. Review status: criteria provided, single submitter. Criteria: Invitae Variant Classification Sherloc (09022015). Collection method: clinical testing. Allele origin: germline.

Blueprint Genetics
Classification: Benign. Last evaluated: 2024-11-26. Review status: criteria provided, single submitter. Criteria: ACMG Guidelines, 2015. Collection method: clinical testing. Allele origin: germline.

Genome-Nilou Lab
Classification: Benign for Lethal Kniest-like syndrome. Last evaluated: 2021-08-10. Review status: criteria provided, single submitter. Criteria: ACMG Guidelines, 2015. Collection method: clinical testing. Allele origin: germline. Affected: no.

Genome-Nilou Lab
Classification: Benign for Schwartz-Jampel syndrome type 1. Last evaluated: 2021-08-10. Review status: criteria provided, single submitter. Criteria: ACMG Guidelines, 2015. Collection method: clinical testing. Allele origin: germline. Affected: no.

GeneDx
Classification: Benign. Last evaluated: 2018-08-19. Review status: criteria provided, single submitter. Criteria: GeneDx Variant Classification Process June 2021. Collection method: clinical testing. Allele origin: germline. Affected: yes.

Illumina Laboratory Services, Illumina
Classification: Benign for Schwartz-Jampel syndrome type 1. Last evaluated: 2018-01-13. Review status: criteria provided, single submitter. Criteria: ICSL Variant Classification Criteria 13 December 2019. Collection method: clinical testing. Allele origin: germline.
Comment: This variant was observed in the ICSL laboratory as part of a predisposition screen in an ostensibly healthy population. It had not been previously curated by ICSL or reported in the Human Gene Mutation Database (HGMD: prior to June 1st, 2018), and was therefore a candidate for classification through an automated scoring system. Utilizing variant allele frequency, disease prevalence and penetrance estimates, and inheritance mode, an automated score was calculated to assess if this variant is too frequent to cause the disease. Based on the score and internal cut-off values, a variant classified as benign is not then subjected to further curation. The score for this variant resulted in a classification of benign for this disease.

Illumina Laboratory Services, Illumina
Classification: Benign for Lethal Kniest-like syndrome. Last evaluated: 2018-01-13. Review status: criteria provided, single submitter. Criteria: ICSL Variant Classification Criteria 13 December 2019. Collection method: clinical testing. Allele origin: germline.
Comment: the same text as in the submission from Illumina Laboratory Services, Illumina above.

Breakthrough Genomics
Classification: Benign. Review status: criteria provided, single submitter. Criteria: ACMG Guidelines, 2015. Collection method: not provided. Allele origin: germline. Inheritance: Autosomal recessive inheritance. Affected: yes.

NM_005529.7(HSPG2):c.11187G>T (p.Val3729=)

Gene: HSPG2 (heparan sulfate proteoglycan 2; minus strand). Cytogenetic location: 1p36.12.
Variant type: single nucleotide variant.
Coding change: c.11187G>T on transcript NM_005529.7 (MANE Select); coding-DNA position 11187, G replaced by T.
Protein change: p.Val3729=; no amino-acid change (valine 3729 retained).
Molecular consequence: synonymous variant.
Genome position (GRCh38, 1-based): chr1:21,832,515, C>A on the plus strand (G>T on the coding strand, the complement: HSPG2 is on the minus strand). VCF-style: chr1-21832515-C-A. GRCh37 (hg19) VCF-style: chr1-22159008-C-A.
Other names: c.11190G>T, p.Val3730= (NM_001291860.2).
Identifiers: ClinVar variation 295723 (VCV000295723.18), dbSNP rs2229487, ClinGen allele CA669892.
Genomic context (GRCh38, chr1:21,832,515, plus strand): 5'-TGTCCAGTCCCCCTGTAGGTGGGGAGGCTGGGGGTCTCACCGGAACTCGGGCCTTCCCCC[C>A]ACGAGGCCGAAGGAGATGAAGTCGGGCTGCCGGTTGGCCAGGTTGGTGGGGCTCCCTGGG-3'
Protein context (NP_005520.4, residues 3719-3739): RQPDFISFGL[Val3729=]GGRPEFRFDA